The following is an entry in ClinVar:

NM_005026.5(PIK3CD):c.2481G>T (p.Val827=)

Gene: PIK3CD (phosphatidylinositol-4,5-bisphosphate 3-kinase catalytic subunit delta; plus strand). Cytogenetic location: 1p36.22.
Variant type: single nucleotide variant.
Coding change: c.2481G>T on transcript NM_005026.5 (MANE Select); coding-DNA position 2481, G replaced by T.
Protein change: p.Val827=; no amino-acid change (valine 827 retained).
Molecular consequence: synonymous variant.
Genome position (GRCh38, 1-based): chr1:9,723,179, G>T. VCF-style: chr1-9723179-G-T. GRCh37 (hg19) VCF-style: chr1-9783237-G-T.
Other names: c.2478G>T, p.Val826= (NM_001350234.2); c.2394G>T, p.Val798= (NM_001350235.1).
Identifiers: ClinVar variation 1925240 (VCV001925240.7), dbSNP rs1459837147, ClinGen allele CA415875389.

ClinVar aggregate classification (germline): Uncertain significance. Review status: criteria provided, single submitter (1 of 4 stars). 2 submissions from 2 submitters: Uncertain significance (1). 1 of the submissions does not count toward it. Last evaluated 2022-02-28.

Conditions:
PIK3CD-related disorder. Also called: PIK3CD-related condition.
Immunodeficiency 14 (IMD14A). Also called: Activated PI3K Delta Syndrome Type 1 (APDS1); p110-DELTA-ACTIVATING MUTATION CAUSING SENESCENT T CELLS, LYMPHADENOPATHY, AND IMMUNODEFICIENCY; IMMUNODEFICIENCY 14A WITH LYMPHOPROLIFERATION, AUTOSOMAL DOMINANT; ACTIVATED PI3K-DELTA SYNDROME 1. Identifiers: Orphanet 397596, Orphanet 693661, MedGen C5907821, MONDO:0014222, OMIM 615513.

Submissions (2):

Labcorp Genetics (formerly Invitae), Labcorp
Classification: Uncertain significance for Activated PI3K-delta syndrome. Last evaluated: 2022-02-28. Review status: criteria provided, single submitter. Criteria: Invitae Variant Classification Sherloc (09022015). Collection method: clinical testing. Allele origin: germline.
Comment: In summary, the available evidence is currently insufficient to determine the role of this variant in disease. Therefore, it has been classified as a Variant of Uncertain Significance. This sequence change affects codon 827 of the PIK3CD mRNA. It is a 'silent' change, meaning that it does not change the encoded amino acid sequence of the PIK3CD protein. This variant is not present in population databases (gnomAD no frequency). Algorithms developed to predict the effect of sequence changes on RNA splicing suggest that this variant may create or strengthen a splice site. This variant has not been reported in the literature in individuals affected with PIK3CD-related conditions.

PreventionGenetics, part of Exact Sciences
Classification: Likely benign for PIK3CD-related condition. Last evaluated: 2019-03-04. Review status: no assertion criteria provided. Collection method: clinical testing. Allele origin: germline. Not counted in ClinVar's aggregate classification.
Comment: This variant is classified as likely benign based on ACMG/AMP sequence variant interpretation guidelines (Richards et al. 2015 PMID: 25741868, with internal and published modifications).